The following is an entry in ClinVar:

ClinVar aggregate classification (germline): Uncertain significance. Review status: criteria provided, multiple submitters, no conflicts (2 of 4 stars). 2 submissions from 2 submitters: Uncertain significance (2). Last evaluated 2025-03-16.

Conditions:
Inborn genetic diseases. Identifiers: MedGen C0950123, MeSH D030342.

Allele frequency attached by ClinVar (database versions not stated): TOPMed below 0.00001; gnomAD 0.00001; gnomAD exomes below 0.00001.
gnomAD v4.1: 3 of 1,613,946 alleles (0.00019%); highest among the groups gnomAD compares: African/African-American, 0.004%; no homozygotes.

Submissions (2):

GeneDx
Classification: Uncertain significance. Last evaluated: 2025-03-16. Review status: criteria provided, single submitter. Criteria: GeneDx Variant Classification Process June 2021. Collection method: clinical testing. Allele origin: germline.
Comment: Not observed at significant frequency in large population cohorts (gnomAD); In silico analysis indicates that this missense variant does not alter protein structure/function; Has not been previously published as pathogenic or benign to our knowledge

Ambry Genetics
Classification: Uncertain significance for Inborn genetic diseases. Last evaluated: 2022-06-09. Review status: criteria provided, single submitter. Criteria: Ambry Variant Classification Scheme 2023. Collection method: clinical testing. Allele origin: germline.

NM_005618.4(DLL1):c.830A>G (p.Gln277Arg)

Gene: DLL1 (delta like canonical Notch ligand 1; minus strand). Cytogenetic location: 6q27.
Variant type: single nucleotide variant.
Coding change: c.830A>G on transcript NM_005618.4 (MANE Select); coding-DNA position 830, A replaced by G.
Protein change: p.Gln277Arg; replaces glutamine 277 with arginine.
Molecular consequence: missense variant.
Genome position (GRCh38, 1-based): chr6:170,285,601, T>C on the plus strand (A>G on the coding strand, the complement: DLL1 is on the minus strand). VCF-style: chr6-170285601-T-C. GRCh37 (hg19) VCF-style: chr6-170594689-T-C.
Other names: short protein forms Q277R.
Identifiers: ClinVar variation 2294881 (VCV002294881.4), dbSNP rs1434461912, ClinGen allele CA366508652.